The following is an entry in ClinVar:

ClinVar aggregate classification (germline): Likely benign (0 of 4 stars; one submission).

Conditions:
SZT2-related disorder. Also called: SZT2-related condition.

gnomAD v4.1: 10 of 1,563,732 alleles (0.00064%); highest among the groups gnomAD compares: Non-Finnish European, 0.00087%; no homozygotes.

Submission:

PreventionGenetics, part of Exact Sciences
Classification: Likely benign for SZT2-related condition. Last evaluated: 2023-10-16. Review status: no assertion criteria provided. Collection method: clinical testing. Allele origin: germline.
Comment: This variant is classified as likely benign based on ACMG/AMP sequence variant interpretation guidelines (Richards et al. 2015 PMID: 25741868, with internal and published modifications).

NM_001365999.1(SZT2):c.9867G>A (p.Gly3289=)

Genes: SZT2 (SZT2 subunit of KICSTOR complex; plus strand), SZT2-AS1 (SZT2 antisense RNA 1; minus strand). Cytogenetic location: 1p34.2.
Variant type: single nucleotide variant.
Coding change: c.9867G>A on transcript NM_001365999.1 (MANE Select); coding-DNA position 9867, G replaced by A.
Protein change: p.Gly3289=; no amino-acid change (glycine 3289 retained).
Molecular consequence: synonymous variant. On other transcripts: non-coding transcript variant (1).
Genome position (GRCh38, 1-based): chr1:43,448,382, G>A. VCF-style: chr1-43448382-G-A. GRCh37 (hg19) VCF-style: chr1-43914053-G-A.
Other names: c.9696G>A, p.Gly3232= (NM_015284.4); c.1308G>A, p.Gly436= (NM_024547.1).
Identifiers: ClinVar variation 3058173 (VCV003058173.2), dbSNP rs776369164, ClinGen allele CA417551871.